The following is an entry in ClinVar:

ClinVar aggregate classification (germline): Uncertain significance. Review status: criteria provided, multiple submitters, no conflicts (2 of 4 stars). 2 submissions from 2 submitters: Uncertain significance (2). Last evaluated 2025-08-06.

Conditions:
Inborn genetic diseases. Identifiers: MedGen C0950123, MeSH D030342.

Allele frequency attached by ClinVar (database versions not stated): ExAC 0.00001; gnomAD 0.00007; ESP Exome Variant Server 0.00008.
gnomAD v4.1: 15 of 1,613,822 alleles (0.00093%); highest among the groups gnomAD compares: African/African-American, 0.017%; no homozygotes.

Submissions (2):

Ambry Genetics
Classification: Uncertain significance for Inborn genetic diseases. Last evaluated: 2025-08-06. Review status: criteria provided, single submitter. Criteria: Ambry Variant Classification Scheme 2023. Collection method: clinical testing. Allele origin: germline.

Labcorp Genetics (formerly Invitae), Labcorp
Classification: Uncertain significance. Last evaluated: 2022-08-19. Review status: criteria provided, single submitter. Criteria: Invitae Variant Classification Sherloc (09022015). Collection method: clinical testing. Allele origin: germline.
Comment: This sequence change replaces leucine, which is neutral and non-polar, with proline, which is neutral and non-polar, at codon 28 of the HPS1 protein (p.Leu28Pro). This variant is present in population databases (rs374679558, gnomAD 0.02%). This variant has not been reported in the literature in individuals affected with HPS1-related conditions. Algorithms developed to predict the effect of missense changes on protein structure and function are either unavailable or do not agree on the potential impact of this missense change (SIFT: "Tolerated"; PolyPhen-2: "Probably Damaging"; Align-GVGD: "Class C0"). In summary, the available evidence is currently insufficient to determine the role of this variant in disease. Therefore, it has been classified as a Variant of Uncertain Significance.

NM_000195.5(HPS1):c.83T>C (p.Leu28Pro)

Gene: HPS1 (HPS1 biogenesis of lysosomal organelles complex 3 subunit 1; minus strand). Cytogenetic location: 10q24.2.
Variant type: single nucleotide variant.
Coding change: c.83T>C on transcript NM_000195.5 (MANE Select); coding-DNA position 83, T replaced by C.
Protein change: p.Leu28Pro; replaces leucine 28 with proline.
Molecular consequence: missense variant. On other transcripts: 5 prime UTR variant (6).
Genome position (GRCh38, 1-based): chr10:98,443,158, A>G on the plus strand (T>C on the coding strand, the complement: HPS1 is on the minus strand). VCF-style: chr10-98443158-A-G. GRCh37 (hg19) VCF-style: chr10-100202915-A-G.
Other names: c.83T>C (NM_000195.3); c.-834T>C (NM_001311345.2); c.83T>C, p.Leu28Pro (NM_001322476.2, NM_001322477.2, NM_001322478.2 and 8 more transcripts); c.-144T>C (NM_001322483.2, NM_001322484.2, NM_001322485.2); c.-933T>C (NM_001322487.2); c.-691T>C (NM_001322489.2); short protein forms L28P.
Identifiers: ClinVar variation 2140818 (VCV002140818.2), dbSNP rs374679558, ClinGen allele CA5639517.